The following is an entry in ClinVar:

ClinVar aggregate classification (germline): Uncertain significance. Review status: criteria provided, multiple submitters, no conflicts (2 of 4 stars). 3 submissions from 3 submitters: Uncertain significance (3). Last evaluated 2024-04-29.

Conditions:
Inborn genetic diseases. Identifiers: MedGen C0950123, MeSH D030342.

Allele frequency attached by ClinVar (database versions not stated): TOPMed below 0.00001.

Submissions (3):

Women's Health and Genetics/Laboratory Corporation of America, LabCorp
Classification: Uncertain significance. Last evaluated: 2024-04-29. Review status: criteria provided, single submitter. Criteria: LabCorp Variant Classification Summary - May 2015. Collection method: clinical testing. Allele origin: germline.
Comment: Variant summary: STAG1 c.1346A>C (p.Glu449Ala) results in a non-conservative amino acid change in the encoded protein sequence. Three of five in-silico tools predict a benign effect of the variant on protein function. The variant was absent in 251364 control chromosomes. The available data on variant occurrences in the general population are insufficient to allow any conclusion about variant significance. To our knowledge, no occurrence of c.1346A>C in individuals affected with STAG1-related conditions and no experimental evidence demonstrating its impact on protein function have been reported. ClinVar contains an entry for this variant (Variation ID: 2089941). Based on the evidence outlined above, the variant was classified as uncertain significance.

Labcorp Genetics (formerly Invitae), Labcorp
Classification: Uncertain significance. Last evaluated: 2022-04-15. Review status: criteria provided, single submitter. Criteria: Invitae Variant Classification Sherloc (09022015). Collection method: clinical testing. Allele origin: germline.
Comment: In summary, the available evidence is currently insufficient to determine the role of this variant in disease. Therefore, it has been classified as a Variant of Uncertain Significance. Advanced modeling of protein sequence and biophysical properties (such as structural, functional, and spatial information, amino acid conservation, physicochemical variation, residue mobility, and thermodynamic stability) performed at Invitae indicates that this missense variant is not expected to disrupt STAG1 protein function. This variant has not been reported in the literature in individuals affected with STAG1-related conditions. This variant is not present in population databases (gnomAD no frequency). This sequence change replaces glutamic acid, which is acidic and polar, with alanine, which is neutral and non-polar, at codon 449 of the STAG1 protein (p.Glu449Ala).

Ambry Genetics
Classification: Uncertain significance for Inborn genetic diseases. Last evaluated: 2021-07-06. Review status: criteria provided, single submitter. Criteria: Ambry Variant Classification Scheme 2023. Collection method: clinical testing. Allele origin: germline.

NM_005862.3(STAG1):c.1346A>C (p.Glu449Ala)

Gene: STAG1 (STAG1 cohesin complex component; minus strand). Cytogenetic location: 3q22.3.
Variant type: single nucleotide variant.
Coding change: c.1346A>C on transcript NM_005862.3 (MANE Select); coding-DNA position 1346, A replaced by C.
Protein change: p.Glu449Ala; replaces glutamic acid 449 with alanine.
Molecular consequence: missense variant.
Genome position (GRCh38, 1-based): chr3:136,452,115, T>G on the plus strand (A>C on the coding strand, the complement: STAG1 is on the minus strand). VCF-style: chr3-136452115-T-G. GRCh37 (hg19) VCF-style: chr3-136170957-T-G.
Other names: short protein forms E449A.
Identifiers: ClinVar variation 2089941 (VCV002089941.6), dbSNP rs2088958956, ClinGen allele CA354648654.